The following is an entry in ClinVar:

ClinVar aggregate classification (germline): Uncertain significance (1 of 4 stars; one submission).

Conditions:
Familial thoracic aortic aneurysm and aortic dissection (TAAD). Also called: Thoracic aortic aneurysms and dissections. Identifiers: Orphanet 91387, MedGen C4707243, MONDO:0019625.

Submission:

Labcorp Genetics (formerly Invitae), Labcorp
Classification: Uncertain significance for Familial thoracic aortic aneurysm and aortic dissection. Last evaluated: 2023-03-14. Review status: criteria provided, single submitter. Criteria: Invitae Variant Classification Sherloc (09022015). Collection method: clinical testing. Allele origin: germline.
Comment: In summary, the available evidence is currently insufficient to determine the role of this variant in disease. Therefore, it has been classified as a Variant of Uncertain Significance. Variants that disrupt the consensus splice site are a relatively common cause of aberrant splicing (PMID: 17576681, 9536098). Algorithms developed to predict the effect of sequence changes on RNA splicing suggest that this variant is not likely to affect RNA splicing. This variant has been observed in individual(s) with Loeys-Dietz syndrome (Invitae). This variant is not present in population databases (gnomAD no frequency). This sequence change falls in intron 3 of the SMAD3 gene. It does not directly change the encoded amino acid sequence of the SMAD3 protein. It affects a nucleotide within the consensus splice site.

Literature cited by the submitters: PubMed 17576681; PubMed 9536098.

NM_005902.4(SMAD3):c.532+3A>G

Gene: SMAD3 (SMAD family member 3; plus strand). Cytogenetic location: 15q22.33.
Variant type: single nucleotide variant.
Coding change: c.532+3A>G on transcript NM_005902.4 (MANE Select); 3 bases into the intron after coding-DNA position 532, A replaced by G.
Molecular consequence: intron variant.
Genome position (GRCh38, 1-based): chr15:67,165,387, A>G. VCF-style: chr15-67165387-A-G. GRCh37 (hg19) VCF-style: chr15-67457725-A-G.
Other names: c.532+3A>G (NM_001407011.1, NM_001407013.1); c.400+299A>G (NM_001407012.1); c.385+3A>G (NM_001407014.1); c.217+3A>G (NM_001145102.2, NM_001407016.1); c.85+299A>G (NM_001407015.1); c.400+3A>G (NM_001145103.2).
Identifiers: ClinVar variation 2845514 (VCV002845514.3), dbSNP rs2505214595, ClinGen allele CA2739269535.